The following is an entry in ClinVar:

NM_000528.4(MAN2B1):c.2706_2707insTATAAGAGACAGT (p.Leu903fs)

Genes: MAN2B1 (mannosidase alpha class 2B member 1; minus strand), LOC130063648 (ATAC-STARR-seq lymphoblastoid active region 14063; plus strand). Cytogenetic location: 19p13.13.
Variant type: Insertion.
Coding change: c.2706_2707insTATAAGAGACAGT on transcript NM_000528.4 (MANE Select); coding-DNA positions 2706 to 2707, TATAAGAGACAGT inserted.
Protein change: p.Leu903fs; shifts the reading frame from leucine 903.
Molecular consequence: frameshift variant.
Genome position: GRCh38 VCF-style: chr19-12647556-G-GACTGTCTCTTATA. GRCh37 (hg19) VCF-style: chr19-12758370-G-GACTGTCTCTTATA.
Other names: c.2703_2704insTATAAGAGACAGT, p.Leu902fs (NM_001173498.2); c.2709_2710insTATAAGAGACAGT, p.Leu904fs (NM_001440570.1); short protein forms L902fs, L903fs, L904fs.
Identifiers: ClinVar variation 5011383 (VCV005011383.1).

ClinVar aggregate classification (germline): Pathogenic (1 of 4 stars; one submission).

Conditions:
Deficiency of alpha-mannosidase (MANSA). Also called: LYSOSOMAL ALPHA-D-MANNOSIDASE DEFICIENCY; Alpha-Mannosidosis; Mannosidosis, alpha-, types I and II. Identifiers: Orphanet 61, MedGen C0024748, MONDO:0009561, OMIM 248500.

Submission:

Myriad Genetics, Inc.
Classification: Pathogenic for Deficiency of alpha-mannosidase. Last evaluated: 2023-08-18. Review status: criteria provided, single submitter. Criteria: Myriad Autosomal Dominant, Autosomal Recessive and X-Linked Classification Criteria (2023). Collection method: clinical testing. Allele origin: unknown.
Comment: NM_000528.3(MAN2B1):c.2706_2707ins13(L903Yfs*32) is expected to be pathogenic in the context of alpha-mannosidosis. This variant is predicted to lead to an abnormal or absent protein product due to the creation of a premature termination codon in MAN2B1, a gene where loss-of-function variants are known to be pathogenic. Please note: this variant was assessed in the context of healthy population screening.